The following is an entry in ClinVar:

ClinVar aggregate classification (germline): Uncertain significance (1 of 4 stars; one submission).

Conditions:
Early Myoclonic Encephalopathy. Identifiers: MedGen C0270855.

Allele frequency attached by ClinVar (database versions not stated): ESP Exome Variant Server 0.00008; TOPMed below 0.00001; ExAC 0.00001; gnomAD 0.00001.
gnomAD v4.1: 6 of 1,613,732 alleles (0.00037%); highest among the groups gnomAD compares: Non-Finnish European, 0.00051%; no homozygotes.

Submission:

Labcorp Genetics (formerly Invitae), Labcorp
Classification: Uncertain significance for Early Myoclonic Encephalopathy. Last evaluated: 2025-03-07. Review status: criteria provided, single submitter. Criteria: Invitae Variant Classification Sherloc (09022015). Collection method: clinical testing. Allele origin: germline.
Comment: This sequence change falls in intron 23 of the JMJD1C gene. It does not directly change the encoded amino acid sequence of the JMJD1C protein. It affects a nucleotide within the consensus splice site. This variant is present in population databases (rs370760675, gnomAD 0.0009%). This variant has not been reported in the literature in individuals affected with JMJD1C-related conditions. ClinVar contains an entry for this variant (Variation ID: 2048073). Variants that disrupt the consensus splice site are a relatively common cause of aberrant splicing (PMID: 17576681, 9536098). Algorithms developed to predict the effect of sequence changes on RNA splicing suggest that this variant is not likely to affect RNA splicing. In summary, the available evidence is currently insufficient to determine the role of this variant in disease. Therefore, it has been classified as a Variant of Uncertain Significance.

Literature cited by the submitters: PubMed 17576681; PubMed 9536098.

NM_032776.3(JMJD1C):c.7224+6A>C

Gene: JMJD1C (jumonji domain containing 1C; minus strand). Cytogenetic location: 10q21.3.
Variant type: single nucleotide variant.
Coding change: c.7224+6A>C on transcript NM_032776.3 (MANE Select); 6 bases into the intron after coding-DNA position 7224, A replaced by C.
Molecular consequence: intron variant.
Genome position (GRCh38, 1-based): chr10:63,177,711, T>G on the plus strand (A>C on the coding strand, the complement: JMJD1C is on the minus strand). VCF-style: chr10-63177711-T-G. GRCh37 (hg19) VCF-style: chr10-64937471-T-G.
Other names: c.6567+6A>C (NM_001322258.2, NM_001322254.2); c.6678+6A>C (NM_001318154.2, NM_001282948.2); c.7110+6A>C (NM_001322252.2); c.6360+6A>C (NM_001318153.2).
Identifiers: ClinVar variation 2048073 (VCV002048073.4), dbSNP rs370760675, ClinGen allele CA5517700.